The following is an entry in ClinVar:

NM_000212.3(ITGB3):c.662C>T (p.Thr221Met)

Genes: ITGB3 (integrin subunit beta 3; plus strand), LOC130061043 (ATAC-STARR-seq lymphoblastoid active region 12307; plus strand). Cytogenetic location: 17q21.32.
Variant type: single nucleotide variant.
Coding change: c.662C>T on transcript NM_000212.3 (MANE Select); coding-DNA position 662, C replaced by T.
Protein change: p.Thr221Met; replaces threonine 221 with methionine.
Molecular consequence: missense variant.
Genome position (GRCh38, 1-based): chr17:47,286,307, C>T. VCF-style: chr17-47286307-C-T. GRCh37 (hg19) VCF-style: chr17-45363673-C-T.
Other names: short protein forms T221M.
Identifiers: ClinVar variation 1210206 (VCV001210206.3), dbSNP rs770992614, ClinGen allele CA8623017.
Genomic context (GRCh38, chr17:47,286,307, plus strand): 5'-CATCCCTCCCCAGTATGAAGACCACCTGCTTGCCCATGTTTGGCTACAAACACGTGCTGA[C>T]GCTAACTGACCAGGTGACCCGCTTCAATGAGGAAGTGAAGAAGCAGAGTGTGTCACGGAA-3'
Protein context (NP_000203.2, residues 211-231): LPMFGYKHVL[Thr221Met]LTDQVTRFNE

ClinVar aggregate classification (germline): Uncertain significance. Review status: reviewed by expert panel (3 of 4 stars). 2 submissions from 2 submitters: Uncertain significance (1). 1 of the submissions does not count toward it. Last evaluated 2024-04-16.

Conditions:
Glanzmann thrombasthenia. Also called: THROMBASTHENIA OF GLANZMANN AND NAEGELI; PLATELET GLYCOPROTEIN IIb-IIIa DEFICIENCY; Glanzmann's thrombasthenia; Thrombasthenia. Identifiers: Orphanet 849, MedGen C0040015, MONDO:0100326.

Allele frequency attached by ClinVar (database versions not stated): ExAC 0.00003; gnomAD 0.00003; gnomAD exomes 0.00003; TOPMed 0.00005.

Submissions (2):

ClinGen Platelet Disorders Variant Curation Expert Panel, ClinGen
Classification: Uncertain significance for Glanzmann thrombasthenia. Last evaluated: 2024-04-16. Review status: reviewed by expert panel. Criteria: ClinGen Platelet ACMG Specifications v2-1. Collection method: curation. Allele origin: germline. Inheritance: Autosomal recessive inheritance.
Comment: The ITGB3 missense variant NM_000212.2:c.662C>T replaces the threonine residue with a methionine residue (p.Thr221Met). This variant has been observed in heterozygosity in an individual suspected to have Glanzmann's thrombasthenia (GT) (GT-72 in PMID: 30792900), however sufficient information to confirm if the individual's phenotype is specific for GT was not provided and a second ITGB3 variant was not identified. In silico tools do not predict the variant is damaging to protein function or mRNA splicing. The highest population minor allele frequency in gnomAD v4.0.0 is 0.00007810 (5/64024alleles) in the European (Finnish) population, which is lower than the ClinGen PD VCEP threshold (<0.0001; PM2_Supporting). In summary, this variant is of uncertain significance and lacks sufficient evidence to be classified as pathogenic or benign for GT. GT-specific criteria applied: PM2_supporting.

Blueprint Genetics
Classification: Uncertain significance. Last evaluated: 2022-10-11. Review status: criteria provided, single submitter. Criteria: ACMG Guidelines, 2015. Collection method: clinical testing. Allele origin: germline. Not counted in ClinVar's aggregate classification.